The following is an entry in ClinVar:

NM_015294.6(TRIM37):c.229G>T (p.Asp77Tyr)

Gene: TRIM37 (tripartite motif containing 37; minus strand). Cytogenetic location: 17q22.
Variant type: single nucleotide variant.
Coding change: c.229G>T on transcript NM_015294.6 (MANE Select); coding-DNA position 229, G replaced by T.
Protein change: p.Asp77Tyr; replaces aspartic acid 77 with tyrosine.
Molecular consequence: missense variant. On other transcripts: 5 prime UTR variant (3), non-coding transcript variant (2).
Genome position (GRCh38, 1-based): chr17:59,088,343, C>A on the plus strand (G>T on the coding strand, the complement: TRIM37 is on the minus strand). VCF-style: chr17-59088343-C-A. GRCh37 (hg19) VCF-style: chr17-57165704-C-A.
Other names: c.229G>T, p.Asp77Tyr (NM_001005207.5, NM_001320988.3, NM_001320989.3 and 2 more transcripts); c.127G>T, p.Asp43Tyr (NM_001320987.3, NM_001353082.2); c.-138G>T (NM_001320990.3); c.-524G>T (NM_001353083.2); c.-146G>T (NM_001353085.2); c.229G>T (NM_015294.3); short protein forms D77Y, D43Y.
Identifiers: ClinVar variation 1393201 (VCV001393201.8), dbSNP rs749892892, ClinGen allele CA8678678.

ClinVar aggregate classification (germline): Uncertain significance. Review status: criteria provided, multiple submitters, no conflicts (2 of 4 stars). 3 submissions from 3 submitters: Uncertain significance (3). Last evaluated 2025-08-30.

Conditions:
Inborn genetic diseases. Identifiers: MedGen C0950123, MeSH D030342.
Mulibrey nanism syndrome. Also called: MUSCLE-LIVER-BRAIN-EYE NANISM; PERHEENTUPA SYNDROME; PERICARDIAL CONSTRICTION AND GROWTH FAILURE. Identifiers: Orphanet 2576, MedGen C0524582, MONDO:0009664, OMIM 253250.

Allele frequency attached by ClinVar (database versions not stated): gnomAD exomes 0.00001; ExAC 0.00002; gnomAD 0.00005; TOPMed 0.00005.
gnomAD v4.1: 15 of 1,613,676 alleles (0.00093%); highest among the groups gnomAD compares: African/African-American, 0.015%; no homozygotes.

Submissions (3):

Ambry Genetics
Classification: Uncertain significance for Inborn genetic diseases. Last evaluated: 2025-08-30. Review status: criteria provided, single submitter. Criteria: Ambry Variant Classification Scheme 2023. Collection method: clinical testing. Allele origin: germline.

St. Jude Molecular Pathology, St. Jude Children's Research Hospital
Classification: Uncertain significance for Mulibrey nanism syndrome. Last evaluated: 2025-06-17. Review status: criteria provided, single submitter. Criteria: St. Jude Assertion Criteria 2020. Collection method: clinical testing. Allele origin: germline.
Comment: The TRIM37 c.229G>T (p.Asp77Tyr) missense change has a maximum subpopulation frequency of 0.012% in gnomAD v2.1.1. The in silico tool REVEL is inconclusive about a pathogenic or benign effect of this variant on protein function, and to our knowledge functional studies have not been performed. To our knowledge, this variant has not been reported in individuals with Mulibrey nanism. In summary, the evidence currently available is insufficient to determine the clinical significance of this variant. It has therefore been classified as of uncertain significance.

Labcorp Genetics (formerly Invitae), Labcorp
Classification: Uncertain significance. Last evaluated: 2021-09-24. Review status: criteria provided, single submitter. Criteria: Invitae Variant Classification Sherloc (09022015). Collection method: clinical testing. Allele origin: germline.
Comment: This sequence change replaces aspartic acid with tyrosine at codon 77 of the TRIM37 protein (p.Asp77Tyr). The aspartic acid residue is highly conserved and there is a large physicochemical difference between aspartic acid and tyrosine. This variant is present in population databases (rs749892892, ExAC 0.02%). This variant has not been reported in the literature in individuals with TRIM37-related conditions. Algorithms developed to predict the effect of missense changes on protein structure and function are either unavailable or do not agree on the potential impact of this missense change (SIFT: "Not Available"; PolyPhen-2: "Possibly Damaging"; Align-GVGD: "Not Available"). In summary, the available evidence is currently insufficient to determine the role of this variant in disease. Therefore, it has been classified as a Variant of Uncertain Significance.